The following is an entry in ClinVar:

NM_032581.4(HYCC1):c.125dup (p.Tyr42Ter)

Gene: HYCC1 (hyccin PI4KA lipid kinase complex subunit 1; minus strand). Cytogenetic location: 7p15.3.
Variant type: Duplication.
Coding change: c.125dup on transcript NM_032581.4 (MANE Select); coding-DNA position 125, one base duplicated (A; older notation c.125dupA).
Protein change: p.Tyr42Ter; replaces tyrosine 42 with a stop codon.
Molecular consequence: nonsense.
Genome position (GRCh38, 1-based): chr7:22,983,972, T duplicated on the plus strand (A on the coding strand, the reverse complement: HYCC1 is on the minus strand). VCF-style (leftmost placement, unchanged base first): chr7-22983971-A-AT. GRCh37 (hg19) VCF-style: chr7-23023590-A-AT.
Other names: c.125dup, p.Tyr42Ter (NM_001363466.2, NM_001363467.2); c.125dupA (NM_032581.3); short protein forms Y42*.
Identifiers: ClinVar variation 450984 (VCV000450984.15), dbSNP rs780540757, ClinGen allele CA4186106.

ClinVar aggregate classification (germline): Pathogenic/Likely pathogenic. Review status: criteria provided, multiple submitters, no conflicts (2 of 4 stars). 4 submissions from 4 submitters: Pathogenic (2); Likely pathogenic (2). Last evaluated 2023-11-03.

Conditions:
Hypomyelination and Congenital Cataract (HLD5). Also called: hypomyelinating leukodystrophy 5. Identifiers: Orphanet 85163, MedGen C1864663, MONDO:0012514, OMIM 610532.

Allele frequency attached by ClinVar (database versions not stated): ExAC 0.00002; gnomAD exomes 0.00005 and 0.00002; gnomAD 0.00004; TOPMed 0.00006.

Submissions (4):

Labcorp Genetics (formerly Invitae), Labcorp
Classification: Pathogenic for Hypomyelination and Congenital Cataract. Last evaluated: 2023-11-03. Review status: criteria provided, single submitter. Criteria: Invitae Variant Classification Sherloc (09022015). Collection method: clinical testing. Allele origin: germline.
Comment: This sequence change creates a premature translational stop signal (p.Tyr42*) in the FAM126A gene. It is expected to result in an absent or disrupted protein product. Loss-of-function variants in FAM126A are known to be pathogenic (PMID: 21911699, 22749724, 23998934). This variant is present in population databases (rs780540757, gnomAD 0.008%). This variant has not been reported in the literature in individuals affected with FAM126A-related conditions. ClinVar contains an entry for this variant (Variation ID: 450984). Algorithms developed to predict the effect of sequence changes on RNA splicing suggest that this variant may disrupt the consensus splice site. For these reasons, this variant has been classified as Pathogenic.

Revvity Omics, Revvity
Classification: Likely pathogenic for Hypomyelination and Congenital Cataract. Last evaluated: 2022-04-01. Review status: criteria provided, single submitter. Criteria: ACMG Guidelines, 2015. Collection method: clinical testing. Allele origin: germline.

Mayo Clinic Laboratories, Mayo Clinic
Classification: Likely pathogenic. Last evaluated: 2021-02-08. Review status: criteria provided, single submitter. Criteria: ACMG Guidelines, 2015. Collection method: clinical testing. Allele origin: germline. Observed: 1 variant allele.
Comment: PVS1, PM2

GeneDx
Classification: Pathogenic. Last evaluated: 2017-08-02. Review status: criteria provided, single submitter. Criteria: GeneDx Variant Classification (06012015). Collection method: clinical testing. Allele origin: germline. Affected: yes.
Comment: The c.125dupA variant in the FAM126A gene has not been reported previously as a pathogenic variant nor as a benign variant, to our knowledge. The c.125dupA variant causes a frameshift changing codon Tyrosine 42 to a premature Stop codon, denoted p.Tyr42Ter. This variant is predicted to cause loss of normal protein function either through protein truncation or nonsense-mediated mRNA decay. The c.125dupA variant is not observed at a significant frequency in large population cohorts (Lek et al., 2016; 1000 Genomes Consortium et al., 2015; Exome Variant Server). We interpret c.125dupA as a pathogenic variant.

Literature cited by the submitters: PubMed 21911699 (cited by Labcorp Genetics (formerly Invitae), Labcorp); PubMed 22749724 (cited by Labcorp Genetics (formerly Invitae), Labcorp); PubMed 23998934 (cited by Labcorp Genetics (formerly Invitae), Labcorp).